The following is an entry in ClinVar:

ClinVar aggregate classification (germline): Conflicting classifications of pathogenicity. Review status: criteria provided, conflicting classifications (1 of 4 stars). 2 submissions from 2 submitters: Likely pathogenic (1); Uncertain significance (1). Last evaluated 2024-05-06.

Conditions:
Glutaric aciduria, type 1. Also called: Glutaric Acidemia Type 1; Glutaryl-CoA dehydrogenase deficiency; Glutaric acidemia type I; GA I; Glutaricacidemia Type 1; Glutaricaciduria, type I. Identifiers: Orphanet 25, MedGen C0268595, MONDO:0009281, OMIM 231670.

Submissions (2):

Fulgent Genetics
Classification: Likely pathogenic for Glutaric aciduria, type 1. Last evaluated: 2024-05-06. Review status: criteria provided, single submitter. Criteria: ACMG Guidelines, 2015. Collection method: clinical testing. Allele origin: germline.

Women's Health and Genetics/Laboratory Corporation of America, LabCorp
Classification: Uncertain significance. Last evaluated: 2024-05-01. Review status: criteria provided, single submitter. Criteria: LabCorp Variant Classification Summary - May 2015. Collection method: clinical testing. Allele origin: germline.
Comment: Variant summary: GCDH c.1119T>G (p.Asn373Lys) results in a non-conservative amino acid change located in the Acyl-CoA dehydrogenase/oxidase, C-terminal domain (IPR009075) of the encoded protein sequence. Five of five in-silico tools predict a damaging effect of the variant on protein function. The variant was absent in 251480 control chromosomes. c.1119T>G has been reported as homozygous in the literature in an individual affected with Glutaric Acidemia Type 1 (Vasikarla_2015). These data indicate that the variant may be associated with disease. To our knowledge, no experimental evidence demonstrating an impact on protein function has been reported. The following publications have been ascertained in the context of this evaluation (PMID: 37020324, 34504725, 38137040, 26629393). No submitters have cited clinical-significance assessments for this variant to ClinVar. Based on the evidence outlined above, the variant was classified as VUS-possibly pathogenic.

Literature cited by the submitters: PubMed 34504725 (cited by Women's Health and Genetics/Laboratory Corporation of America, LabCorp); PubMed 37020324 (cited by Women's Health and Genetics/Laboratory Corporation of America, LabCorp); PubMed 38137040 (cited by Women's Health and Genetics/Laboratory Corporation of America, LabCorp); PubMed 26629393 (cited by Women's Health and Genetics/Laboratory Corporation of America, LabCorp).

NM_000159.4(GCDH):c.1119T>G (p.Asn373Lys)

Gene: GCDH (glutaryl-CoA dehydrogenase; plus strand). Cytogenetic location: 19p13.13.
Variant type: single nucleotide variant.
Coding change: c.1119T>G on transcript NM_000159.4 (MANE Select); coding-DNA position 1119, T replaced by G.
Protein change: p.Asn373Lys; replaces asparagine 373 with lysine.
Molecular consequence: missense variant. On other transcripts: non-coding transcript variant (2).
Genome position (GRCh38, 1-based): chr19:12,897,739, T>G. VCF-style: chr19-12897739-T-G. GRCh37 (hg19) VCF-style: chr19-13008553-T-G.
Other names: c.1119T>G, p.Asn373Lys (NM_013976.5); short protein forms N373K.
Identifiers: ClinVar variation 3336288 (VCV003336288.2).